The following is an entry in ClinVar:

ClinVar aggregate classification (germline): Uncertain significance (0 of 4 stars; one submission).

Conditions:
NRP1-related disorder. Also called: NRP1-related condition.

gnomAD v4.1: 2 of 1,613,824 alleles (0.00012%); highest among the groups gnomAD compares: Admixed American, 0.0033%; no homozygotes.

Submission:

PreventionGenetics, part of Exact Sciences
Classification: Uncertain significance for NRP1-related condition. Last evaluated: 2024-05-30. Review status: no assertion criteria provided. Collection method: clinical testing. Allele origin: germline.
Comment: The NRP1 c.1952A>C variant is predicted to result in the amino acid substitution p.Glu651Ala. To our knowledge, this variant has not been reported in the literature or in a large population database, indicating this variant is rare. At this time, the clinical significance of this variant is uncertain due to the absence of conclusive functional and genetic evidence.

NM_003873.7(NRP1):c.1952A>C (p.Glu651Ala)

Gene: NRP1 (neuropilin 1; minus strand). Cytogenetic location: 10p11.22.
Variant type: single nucleotide variant.
Coding change: c.1952A>C on transcript NM_003873.7 (MANE Select); coding-DNA position 1952, A replaced by C.
Protein change: p.Glu651Ala; replaces glutamic acid 651 with alanine.
Molecular consequence: missense variant. On other transcripts: non-coding transcript variant (1).
Genome position (GRCh38, 1-based): chr10:33,192,391, T>G on the plus strand (A>C on the coding strand, the complement: NRP1 is on the minus strand). VCF-style: chr10-33192391-T-G. GRCh37 (hg19) VCF-style: chr10-33481319-T-G.
Other names: c.1931A>C, p.Glu644Ala (NM_001244972.2, NM_001244973.2); c.1952A>C, p.Glu651Ala (NM_001330068.2); short protein forms E644A, E651A.
Identifiers: ClinVar variation 3354888 (VCV003354888.1).